The following is an entry in ClinVar:

NC_000007.13:g.(?_2577703)_(2594065_?)del

Gene: BRAT1 (BRCA1 associated ATM activator 1; minus strand). Cytogenetic location: 7p22.3.
Variant type: Deletion.
Identifiers: ClinVar variation 3245799 (VCV003245799.1).

ClinVar aggregate classification (germline): Pathogenic (1 of 4 stars; one submission).

Conditions:
Neonatal-onset encephalopathy with rigidity and seizures. Also called: Lethal neonatal spasticity-epileptic encephalopathy syndrome. Identifiers: Orphanet 435845, MedGen C3281029, MONDO:0013784, OMIM 614498.

Submission:

Labcorp Genetics (formerly Invitae), Labcorp
Classification: Pathogenic for Neonatal-onset encephalopathy with rigidity and seizures. Last evaluated: 2024-01-18. Review status: criteria provided, single submitter. Criteria: Invitae Variant Classification Sherloc (09022015). Collection method: clinical testing. Allele origin: unknown.
Comment: A gross deletion of the genomic region encompassing the full coding sequence of the BRAT1 gene has been identified. Loss-of-function variants in BRAT1 are known to be pathogenic (PMID: 22279524, 25500575). The boundaries of this event are unknown as they extend beyond the assayed region for this gene and therefore may encompass additional genes. This variant has not been reported in the literature in individuals affected with BRAT1-related conditions. For these reasons, this variant has been classified as Pathogenic.

Literature cited by the submitters: PubMed 22279524; PubMed 25500575.